The following is an entry in ClinVar:

NM_001177316.2(SLC34A3):c.608T>C (p.Val203Ala)

Gene: SLC34A3 (solute carrier family 34 member 3; plus strand). Cytogenetic location: 9q34.3.
Variant type: single nucleotide variant.
Coding change: c.608T>C on transcript NM_001177316.2 (MANE Select); coding-DNA position 608, T replaced by C.
Protein change: p.Val203Ala; replaces valine 203 with alanine.
Molecular consequence: missense variant.
Genome position (GRCh38, 1-based): chr9:137,233,256, T>C. VCF-style: chr9-137233256-T-C. GRCh37 (hg19) VCF-style: chr9-140127708-T-C.
Other names: c.608T>C, p.Val203Ala (NM_001177317.2, NM_080877.3); short protein forms V203A.
Identifiers: ClinVar variation 4532621 (VCV004532621.1).

ClinVar aggregate classification (germline): Uncertain significance (1 of 4 stars; one submission).

Submission:

GeneDx
Classification: Uncertain significance. Last evaluated: 2025-05-29. Review status: criteria provided, single submitter. Criteria: GeneDx Variant Classification Process June 2021. Collection method: clinical testing. Allele origin: germline. Affected: yes.
Comment: Not observed at significant frequency in large population cohorts (gnomAD); In silico analysis supports that this missense variant has a deleterious effect on protein structure/function; Has not been previously published as pathogenic or benign to our knowledge